The following is an entry in ClinVar:

ClinVar aggregate classification (germline): Likely pathogenic. Review status: criteria provided, multiple submitters, no conflicts (2 of 4 stars). 2 submissions from 2 submitters: Likely pathogenic (2). Last evaluated 2026-08-26.

Conditions:
Amyotrophic lateral sclerosis, susceptibility to, 24. Identifiers: MedGen C4693523, MONDO:0054750, OMIM 617892.
Fetal anomalies with a likely genetic cause.

Submissions (2):

Genetics Laboratory, Great Ormond Street Hospital NHS Foundation Trust, North Thames Genomic Laboratory Hub
Classification: Likely pathogenic for Fetal anomalies with a likely genetic cause. Last evaluated: 2026-08-26. Review status: criteria provided, single submitter. Criteria: ACGS Best Practice Guidelines for Variant Classification in Rare Disease 2024 v1.2. Collection method: clinical testing. Allele origin: germline. Affected: yes.
Comment: PS4_supporting, PVS1_very-strong

Juno Genomics, Hangzhou Juno Genomics, Inc
Classification: Likely pathogenic for Amyotrophic lateral sclerosis, susceptibility to, 24. Review status: criteria provided, single submitter. Criteria: ACMG Guidelines, 2015. Collection method: clinical testing. Allele origin: germline. Affected: yes.
Comment: Absent from controls (or at extremely low frequency if recessive) in Genome Aggregation Database, Exome Sequencing Project, 1000 Genomes Project, or Exome Aggregation Consortium.;Null variant in a gene where loss of function (LOF) is a known mechanism of disease.

NM_001199397.3(NEK1):c.1739_1740del (p.Lys580fs)

Gene: NEK1 (NIMA related kinase 1; minus strand). Cytogenetic location: 4q33.
Variant type: Deletion.
Coding change: c.1739_1740del on transcript NM_001199397.3 (MANE Select); coding-DNA positions 1739 to 1740, 2 bases deleted (AA; older notation c.1739_1740delAA).
Protein change: p.Lys580fs; shifts the reading frame from lysine 580.
Molecular consequence: frameshift variant. On other transcripts: intron variant (6).
Genome position (GRCh38, 1-based): chr4:169,508,778-169,508,779, TT deleted on the plus strand (AA on the coding strand, the reverse complement: NEK1 is on the minus strand); deleting any 2 consecutive bases within chr4:169,508,778-169,508,780 gives the same sequence; the c. name uses the placement nearest the transcript's 3' end. VCF-style (leftmost placement, unchanged base first): chr4-169508777-CTT-C. GRCh37 (hg19) VCF-style: chr4-170429928-CTT-C.
Other names: c.1607_1608del, p.Lys536fs (NM_001199398.3); c.1739_1740del, p.Lys580fs (NM_001374418.1); c.1540-448_1540-447del (NM_001374421.1); c.1615-448_1615-447del (NM_001374420.1); c.1459-448_1459-447del (NM_001199399.3); c.1666-448_1666-447del (NM_001374419.1, NM_012224.4); c.1534-448_1534-447del (NM_001199400.3); short protein forms K536fs, K580fs.
Identifiers: ClinVar variation 3382213 (VCV003382213.3).